The following is an entry in ClinVar:

ClinVar aggregate classification (germline): Uncertain significance. Review status: criteria provided, multiple submitters, no conflicts (2 of 4 stars). 7 submissions from 7 submitters: Uncertain significance (7). Last evaluated 2025-08-14.

Conditions:
Hereditary cancer-predisposing syndrome. Also called: Neoplastic Syndromes, Hereditary; Hereditary Cancer Syndrome; Tumor predisposition; Hereditary neoplastic syndrome. Identifiers: Orphanet 140162, MedGen C0027672, MeSH D009386, MONDO:0015356.
Familial adenomatous polyposis 1 (FAP1). Also called: FAMILIAL ADENOMATOUS POLYPOSIS 1, ATTENUATED; POLYPOSIS, ADENOMATOUS INTESTINAL. Identifiers: MedGen C2713442, MONDO:0021056, OMIM 175100. Disease mechanism: loss of function.

Allele frequency attached by ClinVar (database versions not stated): gnomAD exomes 0.00001.
gnomAD v4.1: 7 of 1,614,208 alleles (0.00043%); highest among the groups gnomAD compares: Non-Finnish European, 0.00051%; no homozygotes.

Submissions (7):

Labcorp Genetics (formerly Invitae), Labcorp
Classification: Uncertain significance for Familial adenomatous polyposis 1. Last evaluated: 2025-08-14. Review status: criteria provided, single submitter. Criteria: Invitae Variant Classification Sherloc (09022015). Collection method: clinical testing. Allele origin: germline.
Comment: This sequence change replaces threonine, which is neutral and polar, with alanine, which is neutral and non-polar, at codon 909 of the APC protein (p.Thr909Ala). This variant is not present in population databases (gnomAD no frequency). This missense change has been observed in individual(s) with breast cancer (PMID: 26976419). ClinVar contains an entry for this variant (Variation ID: 236578). Invitae Evidence Modeling of protein sequence and biophysical properties (such as structural, functional, and spatial information, amino acid conservation, physicochemical variation, residue mobility, and thermodynamic stability) indicates that this missense variant is not expected to disrupt APC protein function with a negative predictive value of 95%. In summary, the available evidence is currently insufficient to determine the role of this variant in disease. Therefore, it has been classified as a Variant of Uncertain Significance.

Color Diagnostics, LLC DBA Color Health
Classification: Uncertain significance for Hereditary cancer-predisposing syndrome. Last evaluated: 2025-06-12. Review status: criteria provided, single submitter. Criteria: ACMG Guidelines, 2015. Collection method: clinical testing. Allele origin: germline.
Comment: This missense variant replaces threonine with alanine at codon 909 of the APC protein. Computational prediction suggests that this variant may not impact protein structure and function. To our knowledge, functional studies have not been performed for this variant. This variant has been reported in an individual affected with breast cancer (PMID: 26976419). This variant has not been identified in the general population by the Genome Aggregation Database (gnomAD). The available evidence is insufficient to determine the role of this variant in disease conclusively. Therefore, this variant is classified as a Variant of Uncertain Significance.

Ambry Genetics
Classification: Uncertain significance for Hereditary cancer-predisposing syndrome. Last evaluated: 2025-03-14. Review status: criteria provided, single submitter. Criteria: Ambry Variant Classification Scheme 2023. Collection method: clinical testing. Allele origin: germline.
Comment: The p.T909A variant (also known as c.2725A>G), located in coding exon 15 of the APC gene, results from an A to G substitution at nucleotide position 2725. The threonine at codon 909 is replaced by alanine, an amino acid with similar properties. This alteration has been reported as a variant of uncertain significance in an individual from a cohort of 488 patients with stages I to III breast cancer (Tung N et al. J. Clin. Oncol., 2016 May;34:1460-8). This amino acid position is not well conserved in available vertebrate species. In addition, in silico predictors for this gene do not accurately predict pathogenicity. Since supporting evidence is limited at this time, the clinical significance of this alteration remains unclear.

Baylor Genetics
Classification: Uncertain significance for Familial adenomatous polyposis 1. Last evaluated: 2023-08-29. Review status: criteria provided, single submitter. Criteria: ACMG Guidelines, 2015. Collection method: clinical testing. Allele origin: unknown.

Blueprint Genetics
Classification: Uncertain significance. Last evaluated: 2017-10-13. Review status: criteria provided, single submitter. Criteria: ACMG Guidelines, 2015. Collection method: clinical testing. Allele origin: germline.

Quest Diagnostics Nichols Institute San Juan Capistrano
Classification: Uncertain significance. Last evaluated: 2017-04-26. Review status: criteria provided, single submitter. Criteria: Quest Diagnostics criteria. Collection method: clinical testing. Allele origin: germline.

GeneDx
Classification: Uncertain significance. Last evaluated: 2016-11-25. Review status: criteria provided, single submitter. Criteria: GeneDx Variant Classification (06012015). Collection method: clinical testing. Allele origin: germline. Affected: yes.
Comment: This variant is denoted APC c.2725A>G at the cDNA level, p.Thr909Ala (T909A) at the protein level, and results in the change of a Threonine to an Alanine (ACC>GCC). APC Thr909Ala was observed as a germline variant in at least one patient with breast cancer undergoing hereditary cancer panel testing and as a confirmed somatic variant in a sporadic colorectal tumor (Christie 2013, Tung 2016). APC Thr909Ala was not observed in approximately 6,500 individuals of European and African American ancestry in the NHLBI Exome Sequencing Project, suggesting it is not a common benign variant in these populations. Since Threonine and Alanine differ in polarity, charge, size or other properties, this is considered a non-conservative amino acid substitution. APC Thr909Ala occurs at a position that is not conserved and is not located in a known functional domain. In silico analyses predict that this variant is unlikely to alter protein structure or function. Based on currently available evidence, it is unclear whether APC Thr909Ala is a pathogenic or benign variant. We consider it to be a variant of uncertain significance.

Literature cited by the submitters: PubMed 26976419 (cited by 4 submitters).

NM_000038.6(APC):c.2725A>G (p.Thr909Ala)

Gene: APC (APC regulator of Wnt signaling pathway; plus strand). Cytogenetic location: 5q22.2.
Variant type: single nucleotide variant.
Coding change: c.2725A>G on transcript NM_000038.6 (MANE Select); coding-DNA position 2725, A replaced by G.
Protein change: p.Thr909Ala; replaces threonine 909 with alanine.
Molecular consequence: missense variant.
Genome position (GRCh38, 1-based): chr5:112,838,319, A>G. VCF-style: chr5-112838319-A-G. GRCh37 (hg19) VCF-style: chr5-112174016-A-G.
Other names: c.2725A>G, p.Thr909Ala (NM_001127510.3, NM_001354895.2); c.2671A>G, p.Thr891Ala (NM_001127511.3); c.2779A>G, p.Thr927Ala (NM_001354896.2); c.2755A>G, p.Thr919Ala (NM_001354897.2); c.2650A>G, p.Thr884Ala (NM_001354898.2); c.2641A>G, p.Thr881Ala (NM_001354899.2); c.2602A>G, p.Thr868Ala (NM_001354900.2); c.2548A>G, p.Thr850Ala (NM_001354901.2); and 5 more; short protein forms T891A, T909A, T626A, T818A, T749A, T808A, T881A, T884A.
Identifiers: ClinVar variation 236578 (VCV000236578.26), dbSNP rs878853430, ClinGen allele CA10582299.